The following is an entry in ClinVar:

ClinVar aggregate classification (germline): Uncertain significance. Review status: criteria provided, multiple submitters, no conflicts (2 of 4 stars). 3 submissions from 3 submitters: Uncertain significance (3). Last evaluated 2026-06-16.

Conditions:
RP1L1-related disorder. Also called: RP1L1-related condition.
Inborn genetic diseases. Identifiers: MedGen C0950123, MeSH D030342.

Allele frequency attached by ClinVar (database versions not stated): gnomAD exomes 0.00004; gnomAD 0.00005; TOPMed 0.00006; ExAC 0.00008.

Submissions (3):

PreventionGenetics, part of Exact Sciences
Classification: Uncertain significance for RP1L1-related condition. Last evaluated: 2026-06-16. Review status: criteria provided, single submitter. Criteria: ACMG Guidelines, 2015. Collection method: clinical testing. Allele origin: germline.
Comment: The RP1L1 c.4660G>A variant is predicted to result in the amino acid substitution p.Asp1554Asn. To our knowledge, this variant has not been reported in the literature. This variant is reported in 0.011% of alleles in individuals of European (Non-Finnish) descent in gnomAD. At this time, the clinical significance of this variant is uncertain due to the absence of conclusive functional and genetic evidence.

Ambry Genetics
Classification: Uncertain significance for Inborn genetic diseases. Last evaluated: 2025-06-24. Review status: criteria provided, single submitter. Criteria: Ambry Variant Classification Scheme 2023. Collection method: clinical testing. Allele origin: germline.

Blueprint Genetics
Classification: Uncertain significance. Last evaluated: 2022-12-07. Review status: criteria provided, single submitter. Criteria: ACMG Guidelines, 2015. Collection method: clinical testing. Allele origin: germline.

NM_178857.6(RP1L1):c.4660G>A (p.Asp1554Asn)

Gene: RP1L1 (RP1 like 1). Cytogenetic location: 8p23.1.
Variant type: single nucleotide variant.
Coding change: c.4660G>A on transcript NM_178857.6 (MANE Select); coding-DNA position 4660, G replaced by A.
Protein change: p.Asp1554Asn; replaces aspartic acid 1554 with asparagine.
Molecular consequence: missense variant.
Genome position (GRCh38, 1-based): chr8:10,609,438, C>T on the plus strand (G>A on the coding strand, the complement: RP1L1 is on the minus strand). VCF-style: chr8-10609438-C-T. GRCh37 (hg19) VCF-style: chr8-10466948-C-T.
Other names: short protein forms D1554N.
Identifiers: ClinVar variation 2218622 (VCV002218622.5), dbSNP rs776851629, ClinGen allele CA4623939.